The following is an entry in ClinVar:

NM_001387777.1(TNS1):c.3373+1076C>T

Gene: TNS1 (tensin 1; minus strand). Cytogenetic location: 2q35.
Variant type: single nucleotide variant.
Coding change: c.3373+1076C>T on transcript NM_001387777.1 (MANE Select); 1076 bases into the intron after coding-DNA position 3373, C replaced by T.
Molecular consequence: intron variant. On other transcripts: missense variant (2).
Genome position (GRCh38, 1-based): chr2:217,830,379, G>A on the plus strand (C>T on the coding strand, the complement: TNS1 is on the minus strand). VCF-style: chr2-217830379-G-A. GRCh37 (hg19) VCF-style: chr2-218695102-G-A.
Other names: c.3010C>T, p.Arg1004Trp (NM_001308022.2, NM_022648.7); c.2998+1076C>T (NM_001308023.2); short protein forms R1004W.
Identifiers: ClinVar variation 3059339 (VCV003059339.2), dbSNP rs3796028, ClinGen allele CA2099930.

ClinVar aggregate classification (germline): Benign (0 of 4 stars; one submission).

Conditions:
TNS1-related disorder. Also called: TNS1-related condition.

Allele frequency attached by ClinVar (database versions not stated): ESP Exome Variant Server 0.33223; TOPMed 0.35350; gnomAD 0.35717; gnomAD exomes 0.35835; ExAC 0.36296; 1000 Genomes Project 30x 0.36946; 1000 Genomes Project 0.37540.

Submission:

PreventionGenetics, part of Exact Sciences
Classification: Benign for TNS1-related condition. Last evaluated: 2019-10-18. Review status: no assertion criteria provided. Collection method: clinical testing. Allele origin: germline.
Comment: This variant is classified as benign based on ACMG/AMP sequence variant interpretation guidelines (Richards et al. 2015 PMID: 25741868, with internal and published modifications).